The following is an entry in ClinVar:

ClinVar aggregate classification (germline): Uncertain significance. Review status: criteria provided, multiple submitters, no conflicts (2 of 4 stars). 2 submissions from 2 submitters: Uncertain significance (2). Last evaluated 2026-01-15.

Conditions:
Autoinflammatory syndrome. Identifiers: Orphanet 93665, MedGen C3890737, MONDO:0019751.
Deficiency of adenosine deaminase 2. Also called: Polyarteritis nodosa, childhoood-onset; Adenosine Deaminase 2 Deficiency; VASCULITIS, AUTOINFLAMMATION, IMMUNODEFICIENCY, AND HEMATOLOGIC DEFECTS SYNDROME. Identifiers: Orphanet 404553, MedGen C3887654, MONDO:0014306, OMIM 615688, MONDO:0100317.

gnomAD v4.1: 10 of 1,612,516 alleles (0.00062%); highest among the groups gnomAD compares: South Asian, 0.0011%; no homozygotes.

Submissions (2):

Labcorp Genetics (formerly Invitae), Labcorp
Classification: Uncertain significance for Deficiency of adenosine deaminase 2. Last evaluated: 2026-01-15. Review status: criteria provided, single submitter. Criteria: Invitae Variant Classification Sherloc (09022015). Collection method: clinical testing. Allele origin: germline.
Comment: This sequence change replaces glutamic acid, which is acidic and polar, with lysine, which is basic and polar, at codon 489 of the ADA2 protein (p.Glu489Lys). This variant is present in population databases (rs45497794, gnomAD 0.003%). This variant has not been reported in the literature in individuals affected with ADA2-related conditions. ClinVar contains an entry for this variant (Variation ID: 1694257). An algorithm developed to predict the effect of missense changes on protein structure and function outputs the following: PolyPhen-2: "Possibly Damaging". The lysine amino acid residue is found in multiple mammalian species, which suggests that this missense change does not adversely affect protein function. In summary, the available evidence is currently insufficient to determine the role of this variant in disease. Therefore, it has been classified as a Variant of Uncertain Significance.

Genome Diagnostics Laboratory, The Hospital for Sick Children
Classification: Uncertain significance for Autoinflammatory syndrome. Last evaluated: 2021-07-23. Review status: criteria provided, single submitter. Criteria: ACMG Guidelines, 2015. Collection method: clinical testing. Allele origin: germline. Affected: yes.

NM_001282225.2(ADA2):c.1465G>A (p.Glu489Lys)

Gene: ADA2 (adenosine deaminase 2; minus strand). Cytogenetic location: 22q11.1.
Variant type: single nucleotide variant.
Coding change: c.1465G>A on transcript NM_001282225.2 (MANE Select); coding-DNA position 1465, G replaced by A.
Protein change: p.Glu489Lys; replaces glutamic acid 489 with lysine.
Molecular consequence: missense variant.
Genome position (GRCh38, 1-based): chr22:17,181,554, C>T on the plus strand (G>A on the coding strand, the complement: ADA2 is on the minus strand). VCF-style: chr22-17181554-C-T. GRCh37 (hg19) VCF-style: chr22-17662444-C-T.
Other names: c.1465G>A, p.Glu489Lys (NM_001282226.2); c.1339G>A, p.Glu447Lys (NM_001282227.2, NM_001282228.2); c.1105G>A, p.Glu369Lys (NM_001282229.2); c.742G>A, p.Glu248Lys (NM_177405.3); short protein forms E248K, E369K, E447K, E489K.
Identifiers: ClinVar variation 1694257 (VCV001694257.4), dbSNP rs45497794, ClinGen allele CA10087842.